The following is an entry in ClinVar:

NM_000489.6(ATRX):c.1750A>G (p.Lys584Glu)

Gene: ATRX (ATRX chromatin remodeler; minus strand). Cytogenetic location: Xq21.1.
Variant type: single nucleotide variant.
Coding change: c.1750A>G on transcript NM_000489.6 (MANE Select); coding-DNA position 1750, A replaced by G.
Protein change: p.Lys584Glu; replaces lysine 584 with glutamic acid.
Molecular consequence: missense variant.
Genome position (GRCh38, 1-based): chrX:77,683,506, T>C on the plus strand (A>G on the coding strand, the complement: ATRX is on the minus strand). VCF-style: chrX-77683506-T-C. GRCh37 (hg19) VCF-style: chrX-76938998-T-C.
Other names: c.1636A>G, p.Lys546Glu (NM_138270.5); short protein forms K546E, K584E.
Identifiers: ClinVar variation 3634997 (VCV003634997.2).
Genomic context (GRCh38, chrX:77,683,506, plus strand): 5'-CAGCACCTTTAATTGGGGAATTAGAAAGGGAAACAGGAGTGAGTTTAACATATAATTCTT[T>C]TGTTACTTTAGCTGTAGTTTTTGATTTAATACCTCCTCTGTTGTCTTTTGAAGAAATATT-3'
Protein context (NP_000480.3, residues 574-594): IKSKTTAKVT[Lys584Glu]ELYVKLTPVS

ClinVar aggregate classification (germline): Uncertain significance (1 of 4 stars; one submission).

Conditions:
Alpha thalassemia-X-linked intellectual disability syndrome (ATRX). Also called: ALPHA-THALASSEMIA/MENTAL RETARDATION SYNDROME, X-LINKED; ATR, NONDELETION TYPE; ATR-X syndrome; Alpha thalassemia mental retardation syndrome, nondeletion type, X-linked; XLMR hypotonic face syndrome; X-linked alpha-thalassemia-mental retardation syndrome. Identifiers: Orphanet 847, MedGen C1845055, MONDO:0010519, OMIM 301040.

Submission:

Labcorp Genetics (formerly Invitae), Labcorp
Classification: Uncertain significance for Alpha thalassemia-X-linked intellectual disability syndrome. Last evaluated: 2024-06-12. Review status: criteria provided, single submitter. Criteria: Invitae Variant Classification Sherloc (09022015). Collection method: clinical testing. Allele origin: germline.
Comment: This sequence change replaces lysine, which is basic and polar, with glutamic acid, which is acidic and polar, at codon 584 of the ATRX protein (p.Lys584Glu). This variant is not present in population databases (gnomAD no frequency). This variant has not been reported in the literature in individuals affected with ATRX-related conditions. Advanced modeling of protein sequence and biophysical properties (such as structural, functional, and spatial information, amino acid conservation, physicochemical variation, residue mobility, and thermodynamic stability) performed at Invitae indicates that this missense variant is not expected to disrupt ATRX protein function with a negative predictive value of 95%. In summary, the available evidence is currently insufficient to determine the role of this variant in disease. Therefore, it has been classified as a Variant of Uncertain Significance.